The following is an entry in ClinVar:

NM_031407.7(HUWE1):c.7810G>C (p.Ala2604Pro)

Gene: HUWE1 (HECT, UBA and WWE domain containing E3 ubiquitin protein ligase 1; minus strand). Cytogenetic location: Xp11.22.
Variant type: single nucleotide variant.
Coding change: c.7810G>C on transcript NM_031407.7 (MANE Select); coding-DNA position 7810, G replaced by C.
Protein change: p.Ala2604Pro; replaces alanine 2604 with proline.
Molecular consequence: missense variant.
Genome position (GRCh38, 1-based): chrX:53,559,459, C>G on the plus strand (G>C on the coding strand, the complement: HUWE1 is on the minus strand). VCF-style: chrX-53559459-C-G. GRCh37 (hg19) VCF-style: chrX-53586420-C-G.
Other names: short protein forms A2604P.
Identifiers: ClinVar variation 1310739 (VCV001310739.2), dbSNP rs868980495, ClinGen allele CA413153697.

ClinVar aggregate classification (germline): Uncertain significance (1 of 4 stars; one submission).

Submission:

GeneDx
Classification: Uncertain significance. Last evaluated: 2019-12-05. Review status: criteria provided, single submitter. Criteria: GeneDx Variant Classification Process June 2021. Collection method: clinical testing. Allele origin: germline. Affected: yes.
Comment: Not observed in large population cohorts (Lek et al., 2016); In silico analysis, which includes protein predictors and evolutionary conservation, supports that this variant does not alter protein structure/function; Has not been previously published as pathogenic or benign to our knowledge